The following is an entry in ClinVar:

ClinVar aggregate classification (germline): Uncertain significance. Review status: criteria provided, multiple submitters, no conflicts (2 of 4 stars). 2 submissions from 2 submitters: Uncertain significance (2). Last evaluated 2025-04-19.

Allele frequency attached by ClinVar (database versions not stated): gnomAD 0.00001; ExAC 0.00003; TOPMed 0.00003; gnomAD exomes 0.00005.
gnomAD v4.1: 30 of 1,613,432 alleles (0.0019%); highest among the groups gnomAD compares: Admixed American, 0.05%; no homozygotes.

Submissions (2):

Labcorp Genetics (formerly Invitae), Labcorp
Classification: Uncertain significance. Last evaluated: 2025-04-19. Review status: criteria provided, single submitter. Criteria: Invitae Variant Classification Sherloc (09022015). Collection method: clinical testing. Allele origin: germline.
Comment: This sequence change replaces isoleucine, which is neutral and non-polar, with threonine, which is neutral and polar, at codon 508 of the DSCAML1 protein (p.Ile508Thr). This variant is present in population databases (rs771231259, gnomAD 0.07%), and has an allele count higher than expected for a pathogenic variant. This variant has not been reported in the literature in individuals affected with DSCAML1-related conditions. ClinVar contains an entry for this variant (Variation ID: 2181594). An algorithm developed to predict the effect of missense changes on protein structure and function (PolyPhen-2) suggests that this variant is likely to be disruptive. In summary, the available evidence is currently insufficient to determine the role of this variant in disease. Therefore, it has been classified as a Variant of Uncertain Significance.

Ambry Genetics
Classification: Uncertain significance. Last evaluated: 2024-07-09. Review status: criteria provided, single submitter. Criteria: Ambry Variant Classification Scheme 2023. Collection method: clinical testing. Allele origin: germline.

NM_020693.4(DSCAML1):c.1343T>C (p.Ile448Thr)

Gene: DSCAML1 (DS cell adhesion molecule like 1; minus strand). Cytogenetic location: 11q23.3.
Variant type: single nucleotide variant.
Coding change: c.1343T>C on transcript NM_020693.4 (MANE Select); coding-DNA position 1343, T replaced by C.
Protein change: p.Ile448Thr; replaces isoleucine 448 with threonine.
Molecular consequence: missense variant.
Genome position (GRCh38, 1-based): chr11:117,518,633, A>G on the plus strand (T>C on the coding strand, the complement: DSCAML1 is on the minus strand). VCF-style: chr11-117518633-A-G. GRCh37 (hg19) VCF-style: chr11-117389348-A-G.
Other names: c.1343T>C, p.Ile448Thr (NM_001367904.1); c.935T>C, p.Ile312Thr (NM_001367905.1); c.1523T>C (NM_020693.2); short protein forms I312T, I448T.
Identifiers: ClinVar variation 2181594 (VCV002181594.5), dbSNP rs771231259, ClinGen allele CA6297290.